The following is an entry in ClinVar:

ClinVar aggregate classification (germline): Pathogenic (1 of 4 stars; one submission).

Conditions:
Familial cancer of breast. Also called: hereditary breast carcinoma; BREAST CANCER, FAMILIAL; Hereditary breast cancer. Identifiers: Orphanet 227535, MedGen C0346153, MONDO:0016419, OMIM 114480. Disease mechanism: loss of function.

Submission:

Labcorp Genetics (formerly Invitae), Labcorp
Classification: Pathogenic for Familial cancer of breast. Last evaluated: 2020-12-13. Review status: criteria provided, single submitter. Criteria: Invitae Variant Classification Sherloc (09022015). Collection method: clinical testing. Allele origin: germline.
Comment: For these reasons, this variant has been classified as Pathogenic. This variant has not been reported in the literature in individuals with BARD1-related conditions. This variant is not present in population databases (ExAC no frequency). This sequence change creates a premature translational stop signal (p.Cys62Phefs*5) in the BARD1 gene. It is expected to result in an absent or disrupted protein product. Loss-of-function variants in BARD1 are known to be pathogenic (PMID: 20077502, 21344236).

Literature cited by the submitters: PubMed 20077502; PubMed 21344236.

NM_000465.4(BARD1):c.185_186del (p.Cys62fs)

Gene: BARD1 (BRCA1 associated RING domain 1; minus strand). Cytogenetic location: 2q35.
Variant type: Microsatellite.
Coding change: c.185_186del on transcript NM_000465.4 (MANE Select); coding-DNA positions 185 to 186, 2 bases deleted (GT; older notation c.185_186delGT).
Protein change: p.Cys62fs; shifts the reading frame from cysteine 62.
Molecular consequence: frameshift variant. On other transcripts: non-coding transcript variant (2), intron variant (2).
Genome position (GRCh38, 1-based): chr2:214,797,090-214,797,091, AC deleted on the plus strand (GT on the coding strand, the reverse complement: BARD1 is on the minus strand); deleting any 2 consecutive bases within chr2:214,797,090-214,797,096 gives the same sequence; the c. name uses the placement nearest the transcript's 3' end. VCF-style (leftmost placement, unchanged base first): chr2-214797089-AAC-A. GRCh37 (hg19) VCF-style: chr2-215661813-AAC-A.
Other names: c.185_186del, p.Cys62fs (NM_001282545.2, NM_001282549.2); c.158+12317GT[2] (NM_001282548.2); c.159-4650GT[2] (NM_001282543.2); short protein forms C62fs.
Identifiers: ClinVar variation 1404252 (VCV001404252.7), dbSNP rs2106145629, ClinGen allele CA2580616677.
Genomic context (GRCh38, chr2:214,797,089, plus strand): 5'-TGTACTATATACATCAAACCGTAATTACTTACCTACAGAAGATGTGCTCACATCCTCCTA[AAC>A]ACACAGGCTCTCTCAGAATGTTAGTACTGTTTGAAGAAATTAAAACAATCAAGATTTGAG-3'